The following is an entry in ClinVar:

ClinVar aggregate classification (germline): Conflicting classifications of pathogenicity. Review status: criteria provided, conflicting classifications (1 of 4 stars). 2 submissions from 2 submitters: Uncertain significance (1); Likely benign (1). Last evaluated 2026-01-26.

Conditions:
Fanconi anemia complementation group O. Also called: RAD51C-Related Fanconi Anemia. Identifiers: Orphanet 84, MedGen C3150653, MONDO:0013248, OMIM 613390.
Hereditary cancer-predisposing syndrome. Also called: Neoplastic Syndromes, Hereditary; Tumor predisposition; Hereditary neoplastic syndrome; Hereditary Cancer Syndrome. Identifiers: Orphanet 140162, MedGen C0027672, MeSH D009386, MONDO:0015356.

Allele frequency attached by ClinVar (database versions not stated): TOPMed below 0.00001.

Submissions (2):

Labcorp Genetics (formerly Invitae), Labcorp
Classification: Uncertain significance for Fanconi anemia complementation group O. Last evaluated: 2026-01-26. Review status: criteria provided, single submitter. Criteria: Invitae Variant Classification Sherloc (09022015). Collection method: clinical testing. Allele origin: germline.
Comment: This sequence change replaces valine, which is neutral and non-polar, with methionine, which is neutral and non-polar, at codon 115 of the RAD51C protein (p.Val115Met). This variant is not present in population databases (gnomAD no frequency). This variant has not been reported in the literature in individuals affected with RAD51C-related conditions. ClinVar contains an entry for this variant (Variation ID: 1487504). Invitae Evidence Modeling of protein sequence and biophysical properties (such as structural, functional, and spatial information, amino acid conservation, physicochemical variation, residue mobility, and thermodynamic stability) indicates that this missense variant is not expected to disrupt RAD51C protein function with a negative predictive value of 80%. In summary, the available evidence is currently insufficient to determine the role of this variant in disease. Therefore, it has been classified as a Variant of Uncertain Significance.

Ambry Genetics
Classification: Likely benign for Hereditary cancer-predisposing syndrome. Last evaluated: 2024-02-26. Review status: criteria provided, single submitter. Criteria: Ambry Variant Classification Scheme 2023. Collection method: clinical testing. Allele origin: germline.

NM_058216.3(RAD51C):c.343G>A (p.Val115Met)

Gene: RAD51C (RAD51 paralog C; plus strand). Cytogenetic location: 17q22.
Variant type: single nucleotide variant.
Coding change: c.343G>A on transcript NM_058216.3 (MANE Select); coding-DNA position 343, G replaced by A.
Protein change: p.Val115Met; replaces valine 115 with methionine.
Molecular consequence: missense variant. On other transcripts: non-coding transcript variant (2).
Genome position (GRCh38, 1-based): chr17:58,695,128, G>A. VCF-style: chr17-58695128-G-A. GRCh37 (hg19) VCF-style: chr17-56772489-G-A.
Other names: c.343G>A, p.Val115Met (NM_002876.4); c.343G>A (NM_058216.1); short protein forms V115M.
Identifiers: ClinVar variation 1487504 (VCV001487504.9), dbSNP rs1202473484, ClinGen allele CA400341440.